The following is an entry in ClinVar:

NM_000051.4(ATM):c.6165C>G (p.Ile2055Met)

Genes: ATM (ATM serine/threonine kinase; plus strand), C11orf65 (chromosome 11 open reading frame 65; minus strand). Cytogenetic location: 11q22.3.
Variant type: single nucleotide variant.
Coding change: c.6165C>G on transcript NM_000051.4 (MANE Select); coding-DNA position 6165, C replaced by G.
Protein change: p.Ile2055Met; replaces isoleucine 2055 with methionine.
Molecular consequence: missense variant. On other transcripts: intron variant (2).
Genome position (GRCh38, 1-based): chr11:108,316,080, C>G. VCF-style: chr11-108316080-C-G. GRCh37 (hg19) VCF-style: chr11-108186807-C-G.
Other names: c.6165C>G, p.Ile2055Met (NM_001351834.2); c.641-7009G>C (NM_001330368.2); c.*39-7009G>C (NM_001351110.2); short protein forms I2055M.
Identifiers: ClinVar variation 3661106 (VCV003661106.2).

ClinVar aggregate classification (germline): Uncertain significance (1 of 4 stars; one submission).

Conditions:
Ataxia-telangiectasia syndrome (AT). Also called: Ataxia-telangiectasia, complementation group D; AT, COMPLEMENTATION GROUP C; ATAXIA-TELANGIECTASIA, COMPLEMENTATION GROUP A; ATAXIA-TELANGIECTASIA, FRESNO VARIANT; Ataxia-telangiectasia; Ataxia-telangiectasia, complementation group E. Identifiers: Orphanet 100, MedGen C0004135, MONDO:0008840, OMIM 208900.

Submission:

Labcorp Genetics (formerly Invitae), Labcorp
Classification: Uncertain significance for Ataxia-telangiectasia syndrome. Last evaluated: 2024-07-31. Review status: criteria provided, single submitter. Criteria: Invitae Variant Classification Sherloc (09022015). Collection method: clinical testing. Allele origin: germline.
Comment: This sequence change replaces isoleucine, which is neutral and non-polar, with methionine, which is neutral and non-polar, at codon 2055 of the ATM protein (p.Ile2055Met). This variant is not present in population databases (gnomAD no frequency). This variant has not been reported in the literature in individuals affected with ATM-related conditions. An algorithm developed to predict the effect of missense changes on protein structure and function (PolyPhen-2) suggests that this variant is likely to be tolerated. In summary, the available evidence is currently insufficient to determine the role of this variant in disease. Therefore, it has been classified as a Variant of Uncertain Significance.